The following is an entry in ClinVar:

ClinVar aggregate classification (germline): Benign/Likely benign. Review status: criteria provided, multiple submitters, no conflicts (2 of 4 stars). 10 submissions from 10 submitters: Benign (1); Likely benign (7). 2 of the submissions do not count toward it. Last evaluated 2026-02-16.

Conditions:
Hypertrophic cardiomyopathy 26. Also called: Cardiomyopathy, familial hypertrophic, 26. Identifiers: Orphanet 75249, MedGen C4310749, MONDO:0014883, OMIM 617047.
Myofibrillar myopathy 5. Also called: Filaminopathy (type); FILAMINOPATHY, AUTOSOMAL DOMINANT. Identifiers: Orphanet 171445, MedGen C1836050, MONDO:0012289, OMIM 609524.
Distal myopathy with posterior leg and anterior hand involvement. Also called: WILLIAMS DISTAL MYOPATHY. Identifiers: Orphanet 63273, MedGen C3279722, MONDO:0013550, OMIM 614065.

Allele frequency attached by ClinVar (database versions not stated): ESP Exome Variant Server 0.00008; gnomAD exomes 0.00008 and 0.00022; gnomAD 0.00014 and 0.00015; ExAC 0.00015; TOPMed 0.00015.
gnomAD v4.1: 153 of 1,593,758 alleles (0.0096%); highest among the groups gnomAD compares: Admixed American, 0.0067%; 1 homozygote.

Submissions (10):

Women's Health and Genetics/Laboratory Corporation of America, LabCorp
Classification: Benign. Last evaluated: 2026-02-16. Review status: criteria provided, single submitter. Criteria: LabCorp Variant Classification Summary - May 2015. Collection method: clinical testing. Allele origin: germline.
Comment: Variant summary: FLNC c.7136-6C>A alters a nucleotide located at a position not widely known to affect splicing. Consensus agreement among computation tools predict no significant impact on normal splicing. However, these predictions have yet to be confirmed by functional studies. The variant allele was found at a frequency of 0.00022 in 249786 control chromosomes. The observed variant frequency exceeds the estimated maximal expected allele frequency for disease-causing variants in FLNC. To our knowledge, no occurrence of c.7136-6C>A in individuals affected with FLNC-related conditions and no experimental evidence demonstrating its impact on protein function have been reported. ClinVar contains an entry for this variant (Variation ID: 472161). Based on the evidence outlined above, the variant was classified as benign.

Labcorp Genetics (formerly Invitae), Labcorp
Classification: Likely benign for Distal myopathy with posterior leg and anterior hand involvement; Myofibrillar myopathy 5; Hypertrophic cardiomyopathy 26. Last evaluated: 2025-12-09. Review status: criteria provided, single submitter. Criteria: Invitae Variant Classification Sherloc (09022015). Collection method: clinical testing. Allele origin: germline.

Mayo Clinic Laboratories, Mayo Clinic
Classification: Likely benign. Last evaluated: 2025-05-14. Review status: criteria provided, single submitter. Criteria: ACMG Guidelines, 2015. Collection method: clinical testing. Allele origin: germline. Observed: 1 variant allele.
Comment: BS1, BP4, BP7

Molecular Diagnostic Laboratory for Inherited Cardiovascular Disease, Montreal Heart Institute
Classification: Likely benign. Last evaluated: 2025-04-09. Review status: criteria provided, single submitter. Criteria: ACMG Guidelines, 2015. Collection method: clinical testing. Allele origin: germline. Affected: no.
Comment: BP5;BP6

CeGaT Center for Human Genetics Tuebingen
Classification: Likely benign. Last evaluated: 2024-09-01. Review status: criteria provided, single submitter. Criteria: CeGaT Center For Human Genetics Tuebingen Variant Classification Criteria Version 2. Collection method: clinical testing. Allele origin: germline. Affected: yes. Observed: 6 variant alleles.
Comment: FLNC: BP4

Blueprint Genetics
Classification: Likely benign. Last evaluated: 2024-03-12. Review status: criteria provided, single submitter. Criteria: ACMG Guidelines, 2015. Collection method: clinical testing. Allele origin: germline.

Fulgent Genetics
Classification: Likely benign for Myofibrillar myopathy 5; Distal myopathy with posterior leg and anterior hand involvement; Hypertrophic cardiomyopathy 26. Last evaluated: 2021-09-03. Review status: criteria provided, single submitter. Criteria: ACMG Guidelines, 2015. Collection method: clinical testing. Allele origin: unknown.

GeneDx
Classification: Likely benign. Last evaluated: 2020-07-30. Review status: criteria provided, single submitter. Criteria: GeneDx Variant Classification Process June 2021. Collection method: clinical testing. Allele origin: germline. Affected: yes.

Clinical Genetics DNA and cytogenetics Diagnostics Lab, Erasmus MC, Erasmus Medical Center
Classification: Likely benign. Review status: no assertion criteria provided. Collection method: clinical testing. Allele origin: germline. Affected: yes. Study: VKGL Data-share Consensus. Not counted in ClinVar's aggregate classification.

Genome Diagnostics Laboratory, University Medical Center Utrecht
Classification: Likely benign. Review status: no assertion criteria provided. Collection method: clinical testing. Allele origin: germline. Affected: yes. Study: VKGL Data-share Consensus. Not counted in ClinVar's aggregate classification.

NM_001458.5(FLNC):c.7136-6C>A

Genes: FLNC (filamin C; plus strand), FLNC-AS1 (FLNC antisense RNA 1; minus strand). Cytogenetic location: 7q32.1.
Variant type: single nucleotide variant.
Coding change: c.7136-6C>A on transcript NM_001458.5 (MANE Select); 6 bases into the intron before coding-DNA position 7136, C replaced by A.
Molecular consequence: intron variant.
Genome position (GRCh38, 1-based): chr7:128,855,193, C>A. VCF-style: chr7-128855193-C-A. GRCh37 (hg19) VCF-style: chr7-128495247-C-A.
Other names: p.?; c.7037-6C>A (NM_001127487.2).
Identifiers: ClinVar variation 472161 (VCV000472161.81), dbSNP rs368292177, ClinGen allele CA4476179.